The following is an entry in ClinVar:

NM_007294.4(BRCA1):c.81-2622C>G

Gene: BRCA1 (BRCA1 DNA repair associated; minus strand). Cytogenetic location: 17q21.31.
Variant type: single nucleotide variant.
Coding change: c.81-2622C>G on transcript NM_007294.4 (MANE Select); 2622 bases into the intron before coding-DNA position 81, C replaced by G.
Molecular consequence: intron variant.
Genome position (GRCh38, 1-based): chr17:43,118,401, G>C on the plus strand (C>G on the coding strand, the complement: BRCA1 is on the minus strand). VCF-style: chr17-43118401-G-C. GRCh37 (hg19) VCF-style: chr17-41270418-G-C.
Other names: IVS 2-2622C>G; c.-61-2622C>G (NM_001408458.1, NM_001408470.1, NM_001407848.1 and 44 more transcripts); c.-219+6876C>G (NM_001407967.1); c.-170+6876C>G (NM_001407959.1); c.-8+6876C>G (NM_001407931.1, NM_001407747.1); c.-223-2622C>G (NM_001407962.1, NM_001408512.1, NM_001408510.1 and 1 more transcripts); c.-108-2622C>G (NM_001407885.1, NM_001407886.1, NM_001408509.1 and 51 more transcripts); c.-177-2622C>G (NM_001407746.1, NM_001408468.1, NM_001407842.1 and 12 more transcripts); and 15 more.
Identifiers: ClinVar variation 209549 (VCV000209549.2), dbSNP rs8176090, ClinGen allele CA276518.

ClinVar aggregate classification (germline): Benign (3 of 4 stars; one submission).

Conditions:
Breast-ovarian cancer, familial, susceptibility to, 1 (BROVCA1). Also called: BRCA1 Hereditary Breast and Ovarian Cancer; OVARIAN CANCER, SUSCEPTIBILITY TO. Identifiers: Orphanet 145, MedGen C2676676, MONDO:0011450, OMIM 604370. Disease mechanism: loss of function.

Allele frequency attached by ClinVar (database versions not stated): gnomAD 0.04507 and 0.04841; 1000 Genomes Project 0.04673; 1000 Genomes Project 30x 0.04919; TOPMed 0.05127.
gnomAD v4.1: 6,741 of 151,220 alleles (4.5%); highest among the groups gnomAD compares: African/African-American, 15%; 536 homozygotes.

Submission:

Evidence-based Network for the Interpretation of Germline Mutant Alleles (ENIGMA)
Classification: Benign for Breast-ovarian cancer, familial 1. Last evaluated: 2015-01-12. Review status: reviewed by expert panel. Criteria: ENIGMA BRCA1/2 Classification Criteria (2015). Collection method: curation. Allele origin: germline.
Comment: Class 1 not pathogenic based on frequency >1% in an outbred sampleset. Frequency 0.1931 (African), derived from 1000 genomes (2012-04-30).